The following is an entry in ClinVar:

ClinVar aggregate classification (germline): Conflicting classifications of pathogenicity. Review status: criteria provided, conflicting classifications (1 of 4 stars). 3 submissions from 3 submitters: Uncertain significance (1); Likely benign (2). Last evaluated 2026-01-06.

Conditions:
Immunodeficiency 35 (IMD35). Also called: HIES WITH ATYPICAL MYCOBACTERIOSIS, AUTOSOMAL RECESSIVE; HYPER-IgE SYNDROME WITH ATYPICAL MYCOBACTERIOSIS, AUTOSOMAL RECESSIVE; Susceptibility to infection due to TYK2 deficiency; TYK2 DEFICIENCY. Identifiers: Orphanet 331226, MedGen C1969086, MONDO:0012682, OMIM 611521.
Inborn genetic diseases. Identifiers: MedGen C0950123, MeSH D030342.

Allele frequency attached by ClinVar (database versions not stated): ExAC 0.00006; gnomAD exomes 0.00006 and 0.00007; gnomAD 0.00008 and 0.00009; TOPMed 0.00008; 1000 Genomes Project 30x 0.00016; 1000 Genomes Project 0.00020.
gnomAD v4.1: 117 of 1,614,144 alleles (0.0072%); highest among the groups gnomAD compares: Non-Finnish European, 0.0087%; 1 homozygote.

Submissions (3):

Labcorp Genetics (formerly Invitae), Labcorp
Classification: Uncertain significance for Immunodeficiency 35. Last evaluated: 2026-01-06. Review status: criteria provided, single submitter. Criteria: Invitae Variant Classification Sherloc (09022015). Collection method: clinical testing. Allele origin: germline.
Comment: This sequence change replaces arginine, which is basic and polar, with histidine, which is basic and polar, at codon 549 of the TYK2 protein (p.Arg549His). This variant is present in population databases (rs536181491, gnomAD 0.01%). This variant has not been reported in the literature in individuals affected with TYK2-related conditions. ClinVar contains an entry for this variant (Variation ID: 578169). Invitae Evidence Modeling of protein sequence and biophysical properties (such as structural, functional, and spatial information, amino acid conservation, physicochemical variation, residue mobility, and thermodynamic stability) indicates that this missense variant is not expected to disrupt TYK2 protein function with a negative predictive value of 80%. In summary, the available evidence is currently insufficient to determine the role of this variant in disease. Therefore, it has been classified as a Variant of Uncertain Significance.

Blueprint Genetics
Classification: Likely benign. Last evaluated: 2023-07-17. Review status: criteria provided, single submitter. Criteria: ACMG Guidelines, 2015. Collection method: clinical testing. Allele origin: germline.

Ambry Genetics
Classification: Likely benign for Inborn genetic diseases. Last evaluated: 2022-04-07. Review status: criteria provided, single submitter. Criteria: Ambry Variant Classification Scheme 2023. Collection method: clinical testing. Allele origin: germline.

NM_003331.5(TYK2):c.1646G>A (p.Arg549His)

Gene: TYK2 (tyrosine kinase 2; minus strand). Cytogenetic location: 19p13.2.
Variant type: single nucleotide variant.
Coding change: c.1646G>A on transcript NM_003331.5 (MANE Select); coding-DNA position 1646, G replaced by A.
Protein change: p.Arg549His; replaces arginine 549 with histidine.
Molecular consequence: missense variant.
Genome position (GRCh38, 1-based): chr19:10,362,287, C>T on the plus strand (G>A on the coding strand, the complement: TYK2 is on the minus strand). VCF-style: chr19-10362287-C-T. GRCh37 (hg19) VCF-style: chr19-10472963-C-T.
Other names: c.1646G>A (LRG_121t1); short protein forms R549H.
Identifiers: ClinVar variation 578169 (VCV000578169.12), dbSNP rs536181491, ClinGen allele CA9193359.